The following is an entry in ClinVar:

NM_004836.7(EIF2AK3):c.3291A>G (p.Ser1097=)

Genes: EIF2AK3 (eukaryotic translation initiation factor 2 alpha kinase 3; minus strand), EIF2AK3-AS1 (EIF2AK3 antisense RNA 1; plus strand). Cytogenetic location: 2p11.2.
Variant type: single nucleotide variant.
Coding change: c.3291A>G on transcript NM_004836.7 (MANE Select); coding-DNA position 3291, A replaced by G.
Protein change: p.Ser1097=; no amino-acid change (serine 1097 retained).
Molecular consequence: synonymous variant.
Genome position (GRCh38, 1-based): chr2:88,557,796, T>C on the plus strand (A>G on the coding strand, the complement: EIF2AK3 is on the minus strand). VCF-style: chr2-88557796-T-C. GRCh37 (hg19) VCF-style: chr2-88857314-T-C.
Other names: c.2838A>G, p.Ser946= (NM_001313915.2).
Identifiers: ClinVar variation 337399 (VCV000337399.23), dbSNP rs10208681, ClinGen allele CA1754283.

ClinVar aggregate classification (germline): Benign/Likely benign. Review status: criteria provided, multiple submitters, no conflicts (2 of 4 stars). 6 submissions from 6 submitters: Benign (4); Likely benign (2). Last evaluated 2026-01-27.

Conditions:
Connective tissue disorder. Also called: Connective tissue disease. Identifiers: MedGen C0009782, MONDO:0003900.
Wolcott-Rallison dysplasia. Also called: MED-IDDM SYNDROME; Wolcott-Rallison syndrome. Identifiers: Orphanet 1667, MedGen C0432217, MONDO:0009192, OMIM 226980.

Allele frequency attached by ClinVar (database versions not stated): gnomAD exomes 0.00119; ExAC 0.00150; 1000 Genomes Project 0.00459; gnomAD 0.00498 and 0.00543; 1000 Genomes Project 30x 0.00515; ESP Exome Variant Server 0.00546; TOPMed 0.00550.
gnomAD v4.1: 1,466 of 1,614,172 alleles (0.091%); highest among the groups gnomAD compares: African/African-American, 1.8%; 17 homozygotes.

Submissions (6):

Labcorp Genetics (formerly Invitae), Labcorp
Classification: Benign. Last evaluated: 2026-01-27. Review status: criteria provided, single submitter. Criteria: Invitae Variant Classification Sherloc (09022015). Collection method: clinical testing. Allele origin: germline.

Blueprint Genetics
Classification: Likely benign. Last evaluated: 2024-09-18. Review status: criteria provided, single submitter. Criteria: ACMG Guidelines, 2015. Collection method: clinical testing. Allele origin: germline.

Genetic Services Laboratory, University of Chicago
Classification: Benign. Last evaluated: 2019-07-19. Review status: criteria provided, single submitter. Criteria: ACMG Guidelines, 2015. Collection method: clinical testing. Allele origin: germline. Affected: no.

Genome Diagnostics Laboratory, The Hospital for Sick Children
Classification: Likely benign for Connective tissue disorder. Last evaluated: 2019-07-01. Review status: criteria provided, single submitter. Criteria: ACMG Guidelines, 2015. Collection method: clinical testing. Allele origin: germline.

Illumina Laboratory Services, Illumina
Classification: Benign for Wolcott-Rallison dysplasia. Last evaluated: 2018-01-12. Review status: criteria provided, single submitter. Criteria: ICSL Variant Classification Criteria 13 December 2019. Collection method: clinical testing. Allele origin: germline.
Comment: This variant was observed in the ICSL laboratory as part of a predisposition screen in an ostensibly healthy population. It had not been previously curated by ICSL or reported in the Human Gene Mutation Database (HGMD: prior to June 1st, 2018), and was therefore a candidate for classification through an automated scoring system. Utilizing variant allele frequency, disease prevalence and penetrance estimates, and inheritance mode, an automated score was calculated to assess if this variant is too frequent to cause the disease. Based on the score and internal cut-off values, a variant classified as benign is not then subjected to further curation. The score for this variant resulted in a classification of benign for this disease.

Breakthrough Genomics
Classification: Benign. Review status: criteria provided, single submitter. Criteria: ACMG Guidelines, 2015. Collection method: not provided. Allele origin: germline. Inheritance: Autosomal recessive inheritance. Affected: yes.